The following is an entry in ClinVar:

ClinVar aggregate classification (germline): Uncertain significance (1 of 4 stars; one submission).

gnomAD v4.1: 1 of 1,613,826 alleles (0.000062%); highest among the groups gnomAD compares: Non-Finnish European, 0.000085%; no homozygotes.

Submission:

GeneDx
Classification: Uncertain significance. Last evaluated: 2026-03-11. Review status: criteria provided, single submitter. Criteria: GeneDx Variant Classification Process June 2021. Collection method: clinical testing. Allele origin: germline.
Comment: Not observed at significant frequency in large population cohorts (gnomAD); In silico analysis supports that this missense variant has a deleterious effect on protein structure/function; Has not been previously published as pathogenic or benign to our knowledge

NM_016604.4(KDM3B):c.4927G>A (p.Asp1643Asn)

Gene: KDM3B (lysine demethylase 3B; plus strand). Cytogenetic location: 5q31.2.
Variant type: single nucleotide variant.
Coding change: c.4927G>A on transcript NM_016604.4 (MANE Select); coding-DNA position 4927, G replaced by A.
Protein change: p.Asp1643Asn; replaces aspartic acid 1643 with asparagine.
Molecular consequence: missense variant.
Genome position (GRCh38, 1-based): chr5:138,430,282, G>A. VCF-style: chr5-138430282-G-A. GRCh37 (hg19) VCF-style: chr5-137765971-G-A.
Other names: short protein forms D1643N.
Identifiers: ClinVar variation 5008947 (VCV005008947.1).